The following is an entry in ClinVar:

NM_003072.5(SMARCA4):c.1762-17TC[2]

Gene: SMARCA4 (SWI/SNF related BAF chromatin remodeling complex subunit ATPase 4; plus strand). Cytogenetic location: 19p13.2.
Variant type: Microsatellite.
Coding change: c.1762-17TC[2] on transcript NM_003072.5 (MANE Select); two copies in a row of the 2-base unit TC starting at c.1762-17.
Molecular consequence: intron variant.
Genome position: GRCh38 VCF-style: chr19-10996476-GTCTC-G. GRCh37 (hg19) VCF-style: chr19-11107152-GTCTC-G.
Other names: c.1762-17TC[2] (NM_001128844.3, NM_001128849.3, NM_001128847.4 and 5 more transcripts).
Identifiers: ClinVar variation 1631188 (VCV001631188.10), dbSNP rs748956133, ClinGen allele CA9203886.

ClinVar aggregate classification (germline): Likely benign. Review status: criteria provided, multiple submitters, no conflicts (2 of 4 stars). 2 submissions from 2 submitters: Likely benign (2). Last evaluated 2026-07-07.

Conditions:
Rhabdoid tumor predisposition syndrome 2 (RTPS2). Identifiers: Orphanet 231108, Orphanet 69077, MedGen C2750074, MONDO:0013224, OMIM 613325.

Submissions (2):

Myriad Genetics, Inc.
Classification: Likely benign for Rhabdoid tumor predisposition syndrome 2. Last evaluated: 2026-07-07. Review status: criteria provided, single submitter. Criteria: Myriad Autosomal Dominant, Autosomal Recessive and X-Linked Classification Criteria (2023). Collection method: clinical testing. Allele origin: unknown.
Comment: This variant is considered likely benign. This variant is intronic and is not expected to impact mRNA splicing. This variant has been observed at a population frequency that is significantly greater than expected given the associated disease prevalence and penetrance.

Labcorp Genetics (formerly Invitae), Labcorp
Classification: Likely benign for Rhabdoid tumor predisposition syndrome 2. Last evaluated: 2026-01-24. Review status: criteria provided, single submitter. Criteria: Invitae Variant Classification Sherloc (09022015). Collection method: clinical testing. Allele origin: germline.